The following is an entry in ClinVar:

ClinVar aggregate classification (germline): Conflicting classifications of pathogenicity. Review status: criteria provided, conflicting classifications (1 of 4 stars). 7 submissions from 7 submitters: Uncertain significance (3); Likely benign (4). Last evaluated 2026-03-25.

Conditions:
Ehlers-Danlos syndrome, classic type, 1 (EDSCL1). Also called: Ehlers-Danlos syndrome, type 1; Ehlers-Danlos Syndrome, Classic Type, COL5A1-Related; EDS I; EHLERS-DANLOS SYNDROME, GRAVIS TYPE; EHLERS-DANLOS SYNDROME, SEVERE CLASSIC TYPE. Identifiers: MedGen C0268335, MONDO:0019567, OMIM 130000.
Ehlers-Danlos syndrome, classic type (cEDS). Identifiers: Orphanet 287, MedGen C4225429, MONDO:0007522.
Familial thoracic aortic aneurysm and aortic dissection (TAAD). Also called: Thoracic aortic aneurysms and dissections. Identifiers: Orphanet 91387, MedGen C4707243, MONDO:0019625.

Allele frequency attached by ClinVar (database versions not stated): gnomAD exomes 0.00009 and 0.00014; gnomAD 0.00010; TOPMed 0.00011; ExAC 0.00014.
gnomAD v4.1: 143 of 1,613,920 alleles (0.0089%); highest among the groups gnomAD compares: East Asian, 0.049%; 1 homozygote.

Submissions (7):

GeneDx
Classification: Uncertain significance. Last evaluated: 2026-03-25. Review status: criteria provided, single submitter. Criteria: GeneDx Variant Classification Process June 2021. Collection method: clinical testing. Allele origin: germline.
Comment: Reported in two individuals from one family with familial aortic stenosis (PMID: 31625567); In silico analysis supports that this missense variant has a deleterious effect on protein structure/function; Occurs in the triple helical domain at the Y position in the canonical Gly-X-Y repeat; although this variant may have an effect on normal protein folding and function, missense substitution at the Y position is not a common mechanism of disease (PMID: 22696272; HGMD); This variant is associated with the following publications: (PMID: 22696272, 35207686, 31625567)

Women's Health and Genetics/Laboratory Corporation of America, LabCorp
Classification: Likely benign. Last evaluated: 2025-11-26. Review status: criteria provided, single submitter. Criteria: LabCorp Variant Classification Summary - May 2015. Collection method: clinical testing. Allele origin: germline.

Labcorp Genetics (formerly Invitae), Labcorp
Classification: Likely benign for Ehlers-Danlos syndrome, classic type, 1. Last evaluated: 2025-11-06. Review status: criteria provided, single submitter. Criteria: Invitae Variant Classification Sherloc (09022015). Collection method: clinical testing. Allele origin: germline.

Mayo Clinic Laboratories, Mayo Clinic
Classification: Uncertain significance. Last evaluated: 2025-03-19. Review status: criteria provided, single submitter. Criteria: ACMG Guidelines, 2015. Collection method: clinical testing. Allele origin: germline. Observed: 1 variant allele.
Comment: BS1, PP3

CeGaT Center for Human Genetics Tuebingen
Classification: Likely benign. Last evaluated: 2024-07-01. Review status: criteria provided, single submitter. Criteria: CeGaT Center For Human Genetics Tuebingen Variant Classification Criteria Version 2. Collection method: clinical testing. Allele origin: germline. Affected: yes. Observed: 2 variant alleles.
Comment: COL5A1: BS1:Supporting

Ambry Genetics
Classification: Likely benign for Familial thoracic aortic aneurysm and aortic dissection. Last evaluated: 2020-10-12. Review status: criteria provided, single submitter. Criteria: Ambry Variant Classification Scheme 2023. Collection method: clinical testing. Allele origin: germline.

ARUP Laboratories, Molecular Genetics and Genomics, ARUP Laboratories
Classification: Uncertain significance for Ehlers-Danlos syndrome, classic type, 1. Last evaluated: 2019-10-13. Review status: criteria provided, single submitter. Criteria: ARUP Molecular Germline Variant Investigation Process. Collection method: clinical testing. Allele origin: germline.
Comment: The COL5A1 c.1889G>A; p.Arg630Gln variant (rs781667754), to our knowledge, is not reported in the medical literature or gene specific databases. This variant is found in the East Asian population with an allele frequency of 0.13% (25/19954 alleles) in the Genome Aggregation Database. The arginine at codon 630 is highly conserved, and computational analyses (SIFT: tolerated, PolyPhen-2: possibly damaging) predict conflicting effects of this variant on protein structure/function. Due to limited information, the clinical significance of the p.Arg630Gln variant is uncertain at this time.

Literature cited by the submitters: PubMed 31625567 (cited by Mayo Clinic Laboratories, Mayo Clinic and Ambry Genetics); PubMed 35207686 (cited by Mayo Clinic Laboratories, Mayo Clinic).

NM_000093.5(COL5A1):c.1889G>A (p.Arg630Gln)

Gene: COL5A1 (collagen type V alpha 1 chain; plus strand). Cytogenetic location: 9q34.3.
Variant type: single nucleotide variant.
Coding change: c.1889G>A on transcript NM_000093.5 (MANE Select); coding-DNA position 1889, G replaced by A.
Protein change: p.Arg630Gln; replaces arginine 630 with glutamine.
Molecular consequence: missense variant.
Genome position (GRCh38, 1-based): chr9:134,758,250, G>A. VCF-style: chr9-134758250-G-A. GRCh37 (hg19) VCF-style: chr9-137650096-G-A.
Other names: p.Arg630Gln; c.1889G>A, p.Arg630Gln (NM_001278074.1); short protein forms R630Q.
Identifiers: ClinVar variation 700236 (VCV000700236.52), dbSNP rs781667754, ClinGen allele CA5319029.